The following is an entry in ClinVar:

NM_000051.4(ATM):c.969A>G (p.Ile323Met)

Gene: ATM (ATM serine/threonine kinase; plus strand). Cytogenetic location: 11q22.3.
Variant type: single nucleotide variant.
Coding change: c.969A>G on transcript NM_000051.4 (MANE Select); coding-DNA position 969, A replaced by G.
Protein change: p.Ile323Met; replaces isoleucine 323 with methionine.
Molecular consequence: missense variant.
Genome position (GRCh38, 1-based): chr11:108,247,031, A>G. VCF-style: chr11-108247031-A-G. GRCh37 (hg19) VCF-style: chr11-108117758-A-G.
Other names: c.969A>G, p.Ile323Met (NM_001351834.2); short protein forms I323M.
Identifiers: ClinVar variation 584775 (VCV000584775.11), dbSNP rs1565375220, ClinGen allele CA382531029.
Genomic context (GRCh38, chr11:108,247,031, plus strand): 5'-TGAATCAACAAAATGGAGAAGTATTTTATACAACTTATATGATCTGCTAGTGAATGAGAT[A>G]AGTCATATAGGAAGTAGAGGAAAGTATTCTTCAGGATTTCGTAATATTGCCGTCAAAGAA-3'
Protein context (NP_000042.3, residues 313-333): YNLYDLLVNE[Ile323Met]SHIGSRGKYS

ClinVar aggregate classification (germline): Uncertain significance. Review status: criteria provided, multiple submitters, no conflicts (2 of 4 stars). 2 submissions from 2 submitters: Uncertain significance (2). Last evaluated 2019-01-18.

Conditions:
Ataxia-telangiectasia syndrome (AT). Also called: Ataxia-telangiectasia, complementation group D; AT, COMPLEMENTATION GROUP C; Ataxia-telangiectasia, complementation group E; Cerebello-oculocutaneous telangiectasia; Immunodeficiency with ataxia telangiectasia; ATAXIA-TELANGIECTASIA, COMPLEMENTATION GROUP A. Identifiers: Orphanet 100, MedGen C0004135, MONDO:0008840, OMIM 208900.

Allele frequency attached by ClinVar (database versions not stated): gnomAD exomes below 0.00001.
gnomAD v4.1: 1 of 1,613,564 alleles (0.000062%); highest among the groups gnomAD compares: Non-Finnish European, 0.000085%; no homozygotes.

Submissions (2):

Labcorp Genetics (formerly Invitae), Labcorp
Classification: Uncertain significance for Ataxia-telangiectasia syndrome. Last evaluated: 2019-01-18. Review status: criteria provided, single submitter. Criteria: Invitae Variant Classification Sherloc (09022015). Collection method: clinical testing. Allele origin: germline.
Comment: In summary, the available evidence is currently insufficient to determine the role of this variant in disease. Therefore, it has been classified as a Variant of Uncertain Significance. Algorithms developed to predict the effect of missense changes on protein structure and function are either unavailable or do not agree on the potential impact of this missense change (SIFT: "Tolerated"; PolyPhen-2: "Possibly Damaging"; Align-GVGD: "Class C0"). This variant has not been reported in the literature in individuals with ATM-related conditions. ClinVar contains an entry for this variant (Variation ID: 584775). This variant is not present in population databases (ExAC no frequency). This sequence change replaces isoleucine with methionine at codon 323 of the ATM protein (p.Ile323Met). The isoleucine residue is moderately conserved and there is a small physicochemical difference between isoleucine and methionine.

Mendelics
Classification: Uncertain significance for Ataxia-telangiectasia syndrome. Last evaluated: 2018-07-02. Review status: criteria provided, single submitter. Criteria: Mendelics Assertion Criteria 2017. Collection method: clinical testing. Allele origin: unknown.